The following is an entry in ClinVar:

NM_007294.4(BRCA1):c.2197G>A (p.Glu733Lys)

Gene: BRCA1 (BRCA1 DNA repair associated; minus strand). Cytogenetic location: 17q21.31.
Variant type: single nucleotide variant.
Coding change: c.2197G>A on transcript NM_007294.4 (MANE Select); coding-DNA position 2197, G replaced by A.
Protein change: p.Glu733Lys; replaces glutamic acid 733 with lysine.
Molecular consequence: missense variant. On other transcripts: intron variant (137).
Genome position (GRCh38, 1-based): chr17:43,093,334, C>T on the plus strand (G>A on the coding strand, the complement: BRCA1 is on the minus strand). VCF-style: chr17-43093334-C-T. GRCh37 (hg19) VCF-style: chr17-41245351-C-T.
Other names: c.2056G>A, p.Glu686Lys (NM_001407696.1, NM_001407697.1, NM_001407698.1 and 29 more transcripts); c.1984G>A, p.Glu662Lys (NM_001407895.1, NM_001407896.1, NM_001407897.1 and 9 more transcripts); c.1987G>A, p.Glu663Lys (NM_001407900.1, NM_001407902.1, NM_001407904.1 and 13 more transcripts); c.2074G>A, p.Glu692Lys (NM_001407919.1, NM_001407937.1, NM_001407938.1 and 19 more transcripts); c.1933G>A, p.Glu645Lys (NM_001407920.1, NM_001407921.1, NM_001407922.1 and 9 more transcripts); c.1930G>A, p.Glu644Lys (NM_001407930.1, NM_001407931.1, NM_001407932.1 and 2 more transcripts); c.2071G>A, p.Glu691Lys (NM_001407940.1, NM_001407941.1, NM_001407649.1 and 11 more transcripts); c.2053G>A, p.Glu685Lys (NM_001407943.1, NM_001407964.1, NM_001407740.1 and 20 more transcripts); and 41 more; short protein forms E437K, E565K, E605K, E606K, E621K, E622K, E644K, E645K.
Identifiers: ClinVar variation 4800850 (VCV004800850.1).

ClinVar aggregate classification (germline): Uncertain significance (1 of 4 stars; one submission).

Conditions:
Hereditary breast ovarian cancer syndrome. Also called: Hereditary breast and ovarian cancer syndrome (HBOC); Hereditary breast and ovarian cancer; Breast and ovarian cancer; Hereditary breast and/or ovarian cancer syndrome; BRCA1- and BRCA2-Associated Hereditary Breast and Ovarian Cancer; Hereditary breast and ovarian cancer syndrome. Identifiers: Orphanet 145, MedGen C0677776, MeSH D061325, MONDO:0003582. Disease mechanism: loss of function.

Submission:

Labcorp Genetics (formerly Invitae), Labcorp
Classification: Uncertain significance for Hereditary breast ovarian cancer syndrome. Last evaluated: 2025-03-21. Review status: criteria provided, single submitter. Criteria: Invitae Variant Classification Sherloc (09022015). Collection method: clinical testing. Allele origin: germline.
Comment: This sequence change replaces glutamic acid, which is acidic and polar, with lysine, which is basic and polar, at codon 733 of the BRCA1 protein (p.Glu733Lys). This variant is not present in population databases (gnomAD no frequency). This variant has not been reported in the literature in individuals affected with BRCA1-related conditions. Invitae Evidence Modeling of protein sequence and biophysical properties (such as structural, functional, and spatial information, amino acid conservation, physicochemical variation, residue mobility, and thermodynamic stability) has been performed for this missense variant. However, the output from this modeling did not meet the statistical confidence thresholds required to predict the impact of this variant on BRCA1 protein function. In summary, the available evidence is currently insufficient to determine the role of this variant in disease. Therefore, it has been classified as a Variant of Uncertain Significance.